The following is an entry in ClinVar:

NM_000081.4(LYST):c.824T>G (p.Leu275Trp)

Gene: LYST (lysosomal trafficking regulator; minus strand). Cytogenetic location: 1q42.3.
Variant type: single nucleotide variant.
Coding change: c.824T>G on transcript NM_000081.4 (MANE Select); coding-DNA position 824, T replaced by G.
Protein change: p.Leu275Trp; replaces leucine 275 with tryptophan.
Molecular consequence: missense variant.
Genome position (GRCh38, 1-based): chr1:235,809,994, A>C on the plus strand (T>G on the coding strand, the complement: LYST is on the minus strand). VCF-style: chr1-235809994-A-C. GRCh37 (hg19) VCF-style: chr1-235973294-A-C.
Other names: p.Leu275Trp; c.824T>G, p.Leu275Trp (NM_001301365.1); short protein forms L275W.
Identifiers: ClinVar variation 2081804 (VCV002081804.2), dbSNP rs769337035, ClinGen allele CA1467556.

ClinVar aggregate classification (germline): Uncertain significance. Review status: criteria provided, multiple submitters, no conflicts (2 of 4 stars). 2 submissions from 2 submitters: Uncertain significance (2). Last evaluated 2025-10-24.

Conditions:
Chédiak-Higashi syndrome (CHS). Also called: Chediak-Higashi Syndrome. Identifiers: Orphanet 167, MedGen C0007965, MONDO:0008963, OMIM 214500.

Allele frequency attached by ClinVar (database versions not stated): gnomAD exomes 0.00001; TOPMed 0.00003; gnomAD 0.00005; ExAC 0.00007.

Submissions (2):

Mayo Clinic Laboratories, Mayo Clinic
Classification: Uncertain significance. Last evaluated: 2025-10-24. Review status: criteria provided, single submitter. Criteria: ACMG Guidelines, 2015. Collection method: clinical testing. Allele origin: germline. Observed: 1 variant allele.
Comment: BS1

Labcorp Genetics (formerly Invitae), Labcorp
Classification: Uncertain significance for Chédiak-Higashi syndrome. Last evaluated: 2022-10-04. Review status: criteria provided, single submitter. Criteria: Invitae Variant Classification Sherloc (09022015). Collection method: clinical testing. Allele origin: germline.
Comment: This sequence change replaces leucine, which is neutral and non-polar, with tryptophan, which is neutral and slightly polar, at codon 275 of the LYST protein (p.Leu275Trp). This variant is present in population databases (rs769337035, gnomAD 0.1%). This variant has not been reported in the literature in individuals affected with LYST-related conditions. Advanced modeling of protein sequence and biophysical properties (such as structural, functional, and spatial information, amino acid conservation, physicochemical variation, residue mobility, and thermodynamic stability) has been performed at Invitae for this missense variant, however the output from this modeling did not meet the statistical confidence thresholds required to predict the impact of this variant on LYST protein function. In summary, the available evidence is currently insufficient to determine the role of this variant in disease. Therefore, it has been classified as a Variant of Uncertain Significance.